The following is an entry in ClinVar:

NM_000890.5(KCNJ5):c.65C>T (p.Pro22Leu)

Gene: KCNJ5 (potassium inwardly rectifying channel subfamily J member 5; plus strand). Cytogenetic location: 11q24.3.
Variant type: single nucleotide variant.
Coding change: c.65C>T on transcript NM_000890.5 (MANE Select); coding-DNA position 65, C replaced by T.
Protein change: p.Pro22Leu; replaces proline 22 with leucine.
Molecular consequence: missense variant.
Genome position (GRCh38, 1-based): chr11:128,911,338, C>T. VCF-style: chr11-128911338-C-T. GRCh37 (hg19) VCF-style: chr11-128781233-C-T.
Other names: c.65C>T, p.Pro22Leu (NM_001354169.2); short protein forms P22L.
Identifiers: ClinVar variation 3232295 (VCV003232295.1), dbSNP rs1944494149, ClinGen allele CA383245545.

ClinVar aggregate classification (germline): Uncertain significance (1 of 4 stars; one submission).

Conditions:
Cardiovascular phenotype. Identifiers: MedGen CN230736.

Submission:

Ambry Genetics
Classification: Uncertain significance for Cardiovascular phenotype. Last evaluated: 2023-09-29. Review status: criteria provided, single submitter. Criteria: Ambry Variant Classification Scheme 2023. Collection method: clinical testing. Allele origin: germline.
Comment: The p.P22L variant (also known as c.65C>T), located in coding exon 1 of the KCNJ5 gene, results from a C to T substitution at nucleotide position 65. The proline at codon 22 is replaced by leucine, an amino acid with similar properties. This amino acid position is not well conserved in available vertebrate species. In addition, this alteration is predicted to be tolerated by in silico analysis. Since supporting evidence is limited at this time, the clinical significance of this alteration remains unclear.